The following is an entry in ClinVar:

NM_173354.5(SIK1):c.2004_2016del (p.Ala670fs)

Gene: SIK1 (salt inducible kinase 1; minus strand). Cytogenetic location: 21q22.3.
Variant type: Deletion.
Coding change: c.2004_2016del on transcript NM_173354.5 (MANE Select); coding-DNA positions 2004 to 2016, 13 bases deleted (CGCTGCACCCGGC).
Protein change: p.Ala670fs; shifts the reading frame from alanine 670.
Molecular consequence: frameshift variant.
Genome position (GRCh38, 1-based): chr21:43,417,078-43,417,090, GCCGGGTGCAGCG deleted on the plus strand (CGCTGCACCCGGC on the coding strand, the reverse complement: SIK1 is on the minus strand); deleting any 13 consecutive bases within chr21:43,417,078-43,417,098 gives the same sequence; the c. name uses the placement nearest the transcript's 3' end. VCF-style (leftmost placement, unchanged base first): chr21-43417077-AGCCGGGTGCAGCG-A. GRCh37 (hg19) VCF-style: chr21-44836957-AGCCGGGTGCAGCG-A.
Other names: short protein forms A670fs.
Identifiers: ClinVar variation 940280 (VCV000940280.8), dbSNP rs2081035616, ClinGen allele CA1139666890.
Genomic context (GRCh38, chr21:43,417,077, plus strand): 5'-CAGGGCCATCACAGGGGGCGATCACAAACGGGGCAGGGGCCGGCTGGGGGGCCTGGGAGC[AGCCGGGTGCAGCG>A]GCCGGGTGGTGCTGTAACTGGAGCAGCCTGTGGGAACAGAGGACAGGTGGTCACTGCGCC-3'

ClinVar aggregate classification (germline): Uncertain significance (1 of 4 stars; one submission).

Conditions:
Developmental and epileptic encephalopathy, 30 (DEE30). Also called: Epileptic encephalopathy, early infantile, 30. Identifiers: MedGen C4225360, MONDO:0014595, OMIM 616341.

Submission:

Labcorp Genetics (formerly Invitae), Labcorp
Classification: Uncertain significance for Developmental and epileptic encephalopathy, 30. Last evaluated: 2019-06-04. Review status: criteria provided, single submitter. Criteria: Invitae Variant Classification Sherloc (09022015). Collection method: clinical testing. Allele origin: germline.
Comment: This sequence change results in a premature translational stop signal in the SIK1 gene (p.Ala670Profs*12). While this is not anticipated to result in nonsense mediated decay, it is expected to disrupt the last 114 amino acids of the SIK1 protein. The frequency data for this variant in the population databases is considered unreliable, as metrics indicate insufficient coverage at this position in the ExAC database. In summary, the available evidence is currently insufficient to determine the role of this variant in disease. Therefore, it has been classified as a Variant of Uncertain Significance. Experimental studies and prediction algorithms are not available or were not evaluated for this variant, and the functional significance of the affected amino acid(s) is currently unknown. This variant has not been reported in the literature in individuals with SIK1-related conditions.